The following is an entry in ClinVar:

NM_006939.4(SOS2):c.1130C>T (p.Ala377Val)

Gene: SOS2 (SOS Ras/Rho guanine nucleotide exchange factor 2; minus strand). Cytogenetic location: 14q21.3.
Variant type: single nucleotide variant.
Coding change: c.1130C>T on transcript NM_006939.4 (MANE Select); coding-DNA position 1130, C replaced by T.
Protein change: p.Ala377Val; replaces alanine 377 with valine.
Molecular consequence: missense variant.
Genome position (GRCh38, 1-based): chr14:50,161,548, G>A on the plus strand (C>T on the coding strand, the complement: SOS2 is on the minus strand). VCF-style: chr14-50161548-G-A. GRCh37 (hg19) VCF-style: chr14-50628266-G-A.
Other names: c.1031C>T, p.Ala344Val (NM_001411020.1); short protein forms A344V, A377V.
Identifiers: ClinVar variation 2504843 (VCV002504843.1), dbSNP rs763181660, ClinGen allele CA389646501.

ClinVar aggregate classification (germline): Uncertain significance (1 of 4 stars; one submission).

Submission:

GeneDx
Classification: Uncertain significance. Last evaluated: 2022-12-09. Review status: criteria provided, single submitter. Criteria: GeneDx Variant Classification Process June 2021. Collection method: clinical testing. Allele origin: germline. Affected: yes.
Comment: Not observed at significant frequency in large population cohorts (gnomAD); In silico analysis supports that this missense variant does not alter protein structure/function; Has not been previously published as pathogenic or benign to our knowledge